The following is an entry in ClinVar:

ClinVar aggregate classification (germline): Uncertain significance (1 of 4 stars; one submission).

Allele frequency attached by ClinVar (database versions not stated): gnomAD exomes below 0.00001.
gnomAD v4.1: 1 of 1,613,724 alleles (0.000062%); highest among the groups gnomAD compares: Non-Finnish European, 0.000085%; no homozygotes.

Submission:

CeGaT Center for Human Genetics Tuebingen
Classification: Uncertain significance. Last evaluated: 2023-11-01. Review status: criteria provided, single submitter. Criteria: CeGaT Center For Human Genetics Tuebingen Variant Classification Criteria Version 2. Collection method: clinical testing. Allele origin: germline. Affected: yes. Observed: 1 variant allele.
Comment: SOS1: PM2

NM_005633.4(SOS1):c.3142G>C (p.Gly1048Arg)

Gene: SOS1 (SOS Ras/Rac guanine nucleotide exchange factor 1; minus strand). Cytogenetic location: 2p22.1.
Variant type: single nucleotide variant.
Coding change: c.3142G>C on transcript NM_005633.4 (MANE Select); coding-DNA position 3142, G replaced by C.
Protein change: p.Gly1048Arg; replaces glycine 1048 with arginine.
Molecular consequence: missense variant.
Genome position (GRCh38, 1-based): chr2:38,995,327, C>G on the plus strand (G>C on the coding strand, the complement: SOS1 is on the minus strand). VCF-style: chr2-38995327-C-G. GRCh37 (hg19) VCF-style: chr2-39222468-C-G.
Other names: c.3121G>C, p.Gly1041Arg (NM_001382394.1); c.3142G>C, p.Gly1048Arg (NM_001382395.1); short protein forms G1041R, G1048R.
Identifiers: ClinVar variation 2672809 (VCV002672809.23), dbSNP rs1483281162, ClinGen allele CA346361142.
Genomic context (GRCh38, chr2:38,995,327, plus strand): 5'-TCCTACTATAACTAATTTTCCTTGGCTCCTGCTGCAGAGGTGTGGGATGCCTCATGGTAC[C>G]TGGTCTTGGGTTTGATGGACGAACACCAGGAGATTTTAGGGGATAGCTATATTTTTTTGG-3'
Protein context (NP_005624.2, residues 1038-1058): PGVRPSNPRP[Gly1048Arg]TMRHPTPLQQ